The following is an entry in ClinVar:

NM_015040.4(PIKFYVE):c.1031del (p.Asp344fs)

Gene: PIKFYVE (phosphoinositide kinase, FYVE-type zinc finger containing; plus strand). Cytogenetic location: 2q34.
Variant type: Deletion.
Coding change: c.1031del on transcript NM_015040.4 (MANE Select); coding-DNA position 1031, one base deleted (A; older notation c.1031delA).
Protein change: p.Asp344fs; shifts the reading frame from aspartic acid 344.
Molecular consequence: frameshift variant.
Genome position (GRCh38, 1-based): chr2:208,298,760, A deleted. VCF-style (leftmost placement, unchanged base first): chr2-208298759-GA-G. GRCh37 (hg19) VCF-style: chr2-209163483-GA-G.
Other names: c.1031del, p.Asp344fs (NM_001178000.2); c.740del, p.Asp247fs (NM_152671.4); short protein forms D247fs, D344fs.
Identifiers: ClinVar variation 2628581 (VCV002628581.1), dbSNP rs1450294572, ClinGen allele CA539091495.

ClinVar aggregate classification (germline): Likely pathogenic (1 of 4 stars; one submission).

Conditions:
PIKFYVE-related disorder. Also called: PIKFYVE-related condition.

Allele frequency attached by ClinVar (database versions not stated): gnomAD exomes below 0.00001; TOPMed below 0.00001; gnomAD 0.00001.

Submission:

PreventionGenetics, part of Exact Sciences
Classification: Likely pathogenic for PIKFYVE-related condition. Last evaluated: 2023-04-12. Review status: criteria provided, single submitter. Criteria: ACMG Guidelines, 2015. Collection method: clinical testing. Allele origin: germline.
Comment: The PIKFYVE c.1031delA variant is predicted to result in a frameshift and premature protein termination (p.Asp344Valfs*12). To our knowledge, this variant has not been reported in the literature. This variant is reported in 0.011% of alleles in individuals of African descent in gnomAD. Frameshift variants in PIKFYVE are expected to be pathogenic. This variant is interpreted as likely pathogenic.